The following is an entry in ClinVar:

NM_007294.4(BRCA1):c.28G>C (p.Glu10Gln)

Gene: BRCA1 (BRCA1 DNA repair associated; minus strand). Cytogenetic location: 17q21.31.
Variant type: single nucleotide variant.
Coding change: c.28G>C on transcript NM_007294.4 (MANE Select); coding-DNA position 28, G replaced by C.
Protein change: p.Glu10Gln; replaces glutamic acid 10 with glutamine.
Molecular consequence: missense variant. On other transcripts: 5 prime UTR variant (1), non-coding transcript variant (1).
Genome position (GRCh38, 1-based): chr17:43,124,069, C>G on the plus strand (G>C on the coding strand, the complement: BRCA1 is on the minus strand). VCF-style: chr17-43124069-C-G. GRCh37 (hg19) VCF-style: chr17-41276086-C-G.
Other names: c.-161G>C (NM_001407571.1, NM_001407853.1, NM_001407879.1 and 46 more transcripts); c.28G>C, p.Glu10Gln (NM_001407581.1, NM_001407582.1, NM_001407583.1 and 193 more transcripts); c.-230G>C (NM_001407694.1, NM_001407724.1, NM_001407727.1 and 11 more transcripts); c.-234G>C (NM_001407695.1, NM_001408465.1); c.-375G>C (NM_001407696.1); c.-259G>C (NM_001407697.1, NM_001407846.1, NM_001407920.1); c.-60G>C (NM_001407698.1, NM_001407732.1, NM_001407736.1 and 23 more transcripts); c.-233G>C (NM_001407725.1, NM_001407730.1, NM_001407734.1 and 22 more transcripts); and 8 more; short protein forms E10Q.
Identifiers: ClinVar variation 869081 (VCV000869081.3), dbSNP rs2055737833, ClinGen allele CA10602106.

Conditions:
Breast-ovarian cancer, familial, susceptibility to, 1 (BROVCA1). Also called: BRCA1 Hereditary Breast and Ovarian Cancer; OVARIAN CANCER, SUSCEPTIBILITY TO. Identifiers: Orphanet 145, MedGen C2676676, MONDO:0011450, OMIM 604370. Disease mechanism: loss of function.

Submission:

Brotman Baty Institute, University of Washington
No classification provided (evidence only). Condition: Breast-ovarian cancer, familial 1. Review status: no classification provided. Collection method: in vitro. Allele origin: not applicable. Functional consequence: functionally_normal.
ClinVar note: "not provided" was previously submitted as the classification for the variant. However, the classification appeared to be based only on an observation of functional data so it was converted to no classification on 2025-07-30.